The following is an entry in ClinVar:

NM_001365536.1(SCN9A):c.3413_3415del (p.Gly1138del)

Genes: SCN1A-AS1 (SCN1A and SCN9A antisense RNA 1; plus strand), SCN9A (sodium voltage-gated channel alpha subunit 9; minus strand). Cytogenetic location: 2q24.3.
Variant type: Deletion.
Coding change: c.3413_3415del on transcript NM_001365536.1 (MANE Select); coding-DNA positions 3413 to 3415, 3 bases deleted (GAG; older notation c.3413_3415delGAG).
Protein change: p.Gly1138del; deletes glycine 1138.
Molecular consequence: inframe deletion. On other transcripts: non-coding transcript variant (1), inframe indel (1).
Genome position (GRCh38, 1-based): chr2:166,251,822-166,251,824, CTC deleted on the plus strand (GAG on the coding strand, the reverse complement: SCN9A is on the minus strand); deleting any 3 consecutive bases within chr2:166,251,822-166,251,826 gives the same sequence; the c. name uses the placement nearest the transcript's 3' end. VCF-style (leftmost placement, unchanged base first): chr2-166251821-TCTC-T. GRCh37 (hg19) VCF-style: chr2-167108331-TCTC-T.
Other names: c.3380_3382delGAG (NM_002977.3); c.3378_3380delAGG, p.Gly1127del (NM_002977.4); short protein forms G1127del, G1138del.
Identifiers: ClinVar variation 1051190 (VCV001051190.11), dbSNP rs1418929911, ClinGen allele CA537512268.

ClinVar aggregate classification (germline): Uncertain significance. Review status: criteria provided, multiple submitters, no conflicts (2 of 4 stars). 2 submissions from 2 submitters: Uncertain significance (2). Last evaluated 2024-12-15.

Conditions:
Neuropathy, hereditary sensory and autonomic, type 2A (HSAN2A). Also called: HSAN IIA; ACROOSTEOLYSIS, GIACCAI TYPE; ACROOSTEOLYSIS, NEUROGENIC; MORVAN DISEASE; NEUROPATHY, CONGENITAL SENSORY; NEUROPATHY, HEREDITARY SENSORY RADICULAR, AUTOSOMAL RECESSIVE. Identifiers: Orphanet 970, MedGen C2752089, MONDO:0024309, OMIM 201300.
Generalized epilepsy with febrile seizures plus, type 7 (GEFSP7). Also called: GEFS+, TYPE 7. Identifiers: Orphanet 36387, MedGen C2751778, MONDO:0013470, OMIM 613863.
Inborn genetic diseases. Identifiers: MedGen C0950123, MeSH D030342.

Submissions (2):

Labcorp Genetics (formerly Invitae), Labcorp
Classification: Uncertain significance for Neuropathy, hereditary sensory and autonomic, type 2A; Generalized epilepsy with febrile seizures plus, type 7. Last evaluated: 2024-12-15. Review status: criteria provided, single submitter. Criteria: Invitae Variant Classification Sherloc (09022015). Collection method: clinical testing. Allele origin: germline.
Comment: This variant, c.3380_3382del, results in the deletion of 1 amino acid(s) of the SCN9A protein (p.Gly1127del), but otherwise preserves the integrity of the reading frame. This variant is present in population databases (no rsID available, gnomAD 0.0009%). This variant has not been reported in the literature in individuals affected with SCN9A-related conditions. ClinVar contains an entry for this variant (Variation ID: 1051190). Experimental studies and prediction algorithms are not available or were not evaluated, and the functional significance of this variant is currently unknown. In summary, the available evidence is currently insufficient to determine the role of this variant in disease. Therefore, it has been classified as a Variant of Uncertain Significance.

Ambry Genetics
Classification: Uncertain significance for Inborn genetic diseases. Last evaluated: 2020-03-17. Review status: criteria provided, single submitter. Criteria: Ambry Variant Classification Scheme 2023. Collection method: clinical testing. Allele origin: germline.
Comment: The c.3380_3382delGAG variant (also known as p.G1127del) is located in coding exon 17 of the SCN9A gene. This variant results from an in-frame deletion of 3 nucleotides at positions 3380 to 3382. This results in the in-frame deletion of a glycine residue at codon 1127. This amino acid position is not well conserved in available vertebrate species. In addition, this alteration is predicted to be neutral by in silico analysis (Choi Y et al. PLoS ONE. 2012; 7(10):e46688). Since supporting evidence is limited at this time, the clinical significance of this alteration remains unclear.